The following is an entry in ClinVar:

ClinVar aggregate classification (germline): Likely benign (1 of 4 stars; one submission).

gnomAD v4.1: 1 of 1,614,134 alleles (0.000062%); highest among the groups gnomAD compares: Non-Finnish European, 0.000085%; no homozygotes.

Submission:

CeGaT Center for Human Genetics Tuebingen
Classification: Likely benign. Last evaluated: 2026-09-01. Review status: criteria provided, single submitter. Criteria: CeGaT Center For Human Genetics Tuebingen Variant Classification Criteria Version 2. Collection method: clinical testing. Allele origin: germline. Affected: yes. Observed: 1 variant allele.
Comment: TRAK1: BP4, BP7

NM_001042646.3(TRAK1):c.1191T>C (p.Thr397=)

Gene: TRAK1 (trafficking kinesin protein 1; plus strand). Cytogenetic location: 3p22.1.
Variant type: single nucleotide variant.
Coding change: c.1191T>C on transcript NM_001042646.3 (MANE Select); coding-DNA position 1191, T replaced by C.
Protein change: p.Thr397=; no amino-acid change (threonine 397 retained).
Molecular consequence: synonymous variant. On other transcripts: non-coding transcript variant (1).
Genome position (GRCh38, 1-based): chr3:42,200,818, T>C. VCF-style: chr3-42200818-T-C. GRCh37 (hg19) VCF-style: chr3-42242310-T-C.
Other names: c.1191T>C, p.Thr397= (NM_001265608.2, NM_001349246.2, NM_001349247.2); c.969T>C, p.Thr323= (NM_001265609.2, NM_001265610.1, NM_001349248.1 and 1 more transcripts); c.879T>C, p.Thr293= (NM_001349245.1); c.1017T>C, p.Thr339= (NM_001410741.1, NM_014965.5).
Identifiers: ClinVar variation 5041718 (VCV005041718.1).